The following is an entry in ClinVar:

ClinVar aggregate classification (germline): Likely benign. Review status: criteria provided, multiple submitters, no conflicts (2 of 4 stars). 6 submissions from 6 submitters: Likely benign (6). Last evaluated 2025-10-10.

Conditions:
Hereditary cancer-predisposing syndrome. Also called: Neoplastic Syndromes, Hereditary; Tumor predisposition; Hereditary Cancer Syndrome; Hereditary neoplastic syndrome. Identifiers: Orphanet 140162, MedGen C0027672, MeSH D009386, MONDO:0015356.
Familial adenomatous polyposis 2. Also called: Adenomas, multiple colorectal; COLORECTAL ADENOMATOUS POLYPOSIS, AUTOSOMAL RECESSIVE; ADENOMAS, MULTIPLE COLORECTAL, AUTOSOMAL RECESSIVE; MYH-associated polyposis; MUTYH Polyposis; FAP type 2. Identifiers: Orphanet 220460, Orphanet 247798, MedGen C3272841, MONDO:0012041, OMIM 608456.

Allele frequency attached by ClinVar (database versions not stated): gnomAD exomes below 0.00001 and 0.00001; ExAC 0.00001.
gnomAD v4.1: 5 of 1,614,200 alleles (0.00031%); highest among the groups gnomAD compares: Non-Finnish European, 0.00042%; no homozygotes.

Submissions (6):

Labcorp Genetics (formerly Invitae), Labcorp
Classification: Likely benign for Familial adenomatous polyposis 2. Last evaluated: 2025-10-10. Review status: criteria provided, single submitter. Criteria: Invitae Variant Classification Sherloc (09022015). Collection method: clinical testing. Allele origin: germline.

Quest Diagnostics Nichols Institute San Juan Capistrano
Classification: Likely benign. Last evaluated: 2025-05-02. Review status: criteria provided, single submitter. Criteria: Quest Diagnostics criteria. Collection method: clinical testing. Allele origin: unknown.

Mendelics
Classification: Likely benign for Familial adenomatous polyposis 2. Last evaluated: 2019-05-28. Review status: criteria provided, single submitter. Criteria: Mendelics Assertion Criteria 2017. Collection method: clinical testing. Allele origin: unknown.

Color Diagnostics, LLC DBA Color Health
Classification: Likely benign for Hereditary cancer-predisposing syndrome. Last evaluated: 2018-05-15. Review status: criteria provided, single submitter. Criteria: ACMG Guidelines, 2015. Collection method: clinical testing. Allele origin: germline.

GeneDx
Classification: Likely benign. Last evaluated: 2018-03-07. Review status: criteria provided, single submitter. Criteria: GeneDx Variant Classification (06012015). Collection method: clinical testing. Allele origin: germline. Affected: yes.
Comment: This variant is considered likely benign or benign based on one or more of the following criteria: it is a conservative change, it occurs at a poorly conserved position in the protein, it is predicted to be benign by multiple in silico algorithms, and/or has population frequency not consistent with disease.

Ambry Genetics
Classification: Likely benign for Hereditary cancer-predisposing syndrome. Last evaluated: 2016-06-09. Review status: criteria provided, single submitter. Criteria: Ambry Variant Classification Scheme 2023. Collection method: clinical testing. Allele origin: germline.

NM_001048174.2(MUTYH):c.1533T>C (p.Thr511=)

Gene: MUTYH (mutY DNA glycosylase; minus strand). Cytogenetic location: 1p34.1.
Variant type: single nucleotide variant.
Coding change: c.1533T>C on transcript NM_001048174.2 (MANE Select); coding-DNA position 1533, T replaced by C.
Protein change: p.Thr511=; no amino-acid change (threonine 511 retained).
Molecular consequence: synonymous variant. On other transcripts: non-coding transcript variant (2).
Genome position (GRCh38, 1-based): chr1:45,329,339, A>G on the plus strand (T>C on the coding strand, the complement: MUTYH is on the minus strand). VCF-style: chr1-45329339-A-G. GRCh37 (hg19) VCF-style: chr1-45795011-A-G.
Other names: c.1533T>C, p.Thr511= (NM_001048171.2, NM_001048173.2, NM_001293195.2); c.1536T>C, p.Thr512= (NM_001048172.2); c.1617T>C, p.Thr539= (NM_001128425.2); c.1578T>C, p.Thr526= (NM_001293190.2); c.1566T>C, p.Thr522= (NM_001293191.2); c.1257T>C, p.Thr419= (NM_001293192.2, NM_001293196.2); c.1188T>C, p.Thr396= (NM_001350650.2, NM_001350651.2); c.1608T>C, p.Thr536= (NM_012222.3).
Identifiers: ClinVar variation 184193 (VCV000184193.19), dbSNP rs756708148, ClinGen allele CA013171.